The following is an entry in ClinVar:

ClinVar aggregate classification (germline): Benign. Review status: criteria provided, single submitter (1 of 4 stars). 2 submissions from 2 submitters: Benign (1). 1 of the submissions does not count toward it. Last evaluated 2026-06-01.

Conditions:
PRIMPOL-related disorder. Also called: PRIMPOL-related condition.

gnomAD v4.1: 17,119 of 1,612,282 alleles (1.1%); highest among the groups gnomAD compares: Non-Finnish European, 1.2%; 127 homozygotes.

Submissions (2):

CeGaT Center for Human Genetics Tuebingen
Classification: Benign. Last evaluated: 2026-06-01. Review status: criteria provided, single submitter. Criteria: CeGaT Center For Human Genetics Tuebingen Variant Classification Criteria Version 2. Collection method: clinical testing. Allele origin: germline. Affected: yes. Observed: 2 variant alleles.
Comment: PRIMPOL: BS1, BS2

PreventionGenetics, part of Exact Sciences
Classification: Benign for PRIMPOL-related condition. Last evaluated: 2024-05-06. Review status: no assertion criteria provided. Collection method: clinical testing. Allele origin: germline. Not counted in ClinVar's aggregate classification.
Comment: This variant is classified as benign based on ACMG/AMP sequence variant interpretation guidelines (Richards et al. 2015 PMID: 25741868, with internal and published modifications).

NM_152683.4(PRIMPOL):c.305T>C (p.Val102Ala)

Gene: PRIMPOL (primase and DNA directed polymerase; plus strand). Cytogenetic location: 4q35.1.
Variant type: single nucleotide variant.
Coding change: c.305T>C on transcript NM_152683.4 (MANE Select); coding-DNA position 305, T replaced by C.
Protein change: p.Val102Ala; replaces valine 102 with alanine.
Molecular consequence: missense variant. On other transcripts: non-coding transcript variant (3), intron variant (5), 5 prime UTR variant (1).
Genome position (GRCh38, 1-based): chr4:184,661,800, T>C. VCF-style: chr4-184661800-T-C. GRCh37 (hg19) VCF-style: chr4-185582954-T-C.
Other names: c.305T>C, p.Val102Ala (NM_001345893.2, NM_001345895.2, NM_001345896.2 and 4 more transcripts); c.-289+2363T>C (NM_001345894.2, NM_001345897.2, NM_001345898.2 and 1 more transcripts); c.31+2363T>C (NM_001345900.2); c.-83T>C (NM_001300767.2); short protein forms V102A.
Identifiers: ClinVar variation 3350436 (VCV003350436.7).
Genomic context (GRCh38, chr4:184,661,800, plus strand): 5'-TATCAATTTAACAATCTTGAATTATTCAATTTAGAAAAAATCTCTTACACTGCTATGAAG[T>C]TATTCCTGAAAATGCTGTGTGCAAGCTTTATTTTGATTTGGAATTTAACAAACCTGCCAA-3'
Protein context (NP_689896.1, residues 92-112): SRKNLLHCYE[Val102Ala]IPENAVCKLY